The following is an entry in ClinVar:

ClinVar aggregate classification (germline): Uncertain significance. Review status: criteria provided, multiple submitters, no conflicts (2 of 4 stars). 2 submissions from 2 submitters: Uncertain significance (2). Last evaluated 2026-01-26.

Conditions:
Progressive familial heart block type IB (PFHB1B). Identifiers: Orphanet 871, MedGen C1970298, MONDO:0011474, OMIM 604559.
Cardiovascular phenotype. Identifiers: MedGen CN230736.

Allele frequency attached by ClinVar (database versions not stated): ExAC 0.00002; gnomAD exomes 0.00002; gnomAD 0.00003; TOPMed 0.00003; ESP Exome Variant Server 0.00008.
gnomAD v4.1: 26 of 1,606,292 alleles (0.0016%); highest among the groups gnomAD compares: African/African-American, 0.0067%; no homozygotes.

Submissions (2):

Labcorp Genetics (formerly Invitae), Labcorp
Classification: Uncertain significance for Progressive familial heart block type IB. Last evaluated: 2026-01-26. Review status: criteria provided, single submitter. Criteria: Invitae Variant Classification Sherloc (09022015). Collection method: clinical testing. Allele origin: germline.
Comment: This sequence change replaces arginine, which is basic and polar, with tryptophan, which is neutral and slightly polar, at codon 144 of the TRPM4 protein (p.Arg144Trp). This variant is present in population databases (rs376262811, gnomAD 0.007%). This missense change has been observed in individual(s) with Brugada syndrome (PMID: 23382873). ClinVar contains an entry for this variant (Variation ID: 2139835). An algorithm developed to predict the effect of missense changes on protein structure and function (PolyPhen-2) suggests that this variant is likely to be disruptive. In summary, the available evidence is currently insufficient to determine the role of this variant in disease. Therefore, it has been classified as a Variant of Uncertain Significance.

Ambry Genetics
Classification: Uncertain significance for Cardiovascular phenotype. Last evaluated: 2023-04-21. Review status: criteria provided, single submitter. Criteria: Ambry Variant Classification Scheme 2023. Collection method: clinical testing. Allele origin: germline.
Comment: The p.R144W variant (also known as c.430C>T), located in coding exon 4 of the TRPM4 gene, results from a C to T substitution at nucleotide position 430. The arginine at codon 144 is replaced by tryptophan, an amino acid with dissimilar properties. This alteration has been reported in a Brugada syndrome cohort (Liu H et al. PLoS One, 2013 Jan;8:e54131). This amino acid position is not well conserved in available vertebrate species. In addition, this alteration is predicted to be tolerated by in silico analysis. Since supporting evidence is limited at this time, the clinical significance of this alteration remains unclear.

Literature cited by the submitters: PubMed 23382873 (cited by Labcorp Genetics (formerly Invitae), Labcorp and Ambry Genetics).

NM_017636.4(TRPM4):c.430C>T (p.Arg144Trp)

Gene: TRPM4 (transient receptor potential cation channel subfamily M member 4; plus strand). Cytogenetic location: 19q13.33.
Variant type: single nucleotide variant.
Coding change: c.430C>T on transcript NM_017636.4 (MANE Select); coding-DNA position 430, C replaced by T.
Protein change: p.Arg144Trp; replaces arginine 144 with tryptophan.
Molecular consequence: missense variant. On other transcripts: intron variant (4).
Genome position (GRCh38, 1-based): chr19:49,168,079, C>T. VCF-style: chr19-49168079-C-T. GRCh37 (hg19) VCF-style: chr19-49671336-C-T.
Other names: c.430C>T (NM_017636.3); c.430C>T, p.Arg144Trp (NM_001195227.2); c.-1105-181C>T (NM_001321282.2); c.268-474C>T (NM_001321281.2); c.-74-181C>T (NM_001321283.2); c.-237-474C>T (NM_001321285.2); short protein forms R144W.
Identifiers: ClinVar variation 2139835 (VCV002139835.6), dbSNP rs376262811, ClinGen allele CA9568813.